The following is an entry in ClinVar:

ClinVar aggregate classification (germline): Likely pathogenic (1 of 4 stars; one submission).

Allele frequency attached by ClinVar (database versions not stated): gnomAD exomes below 0.00001.
gnomAD v4.1: 1 of 1,286,808 alleles (0.000078%); highest among the groups gnomAD compares: Non-Finnish European, 0.000099%; no homozygotes.

Submission:

Labcorp Genetics (formerly Invitae), Labcorp
Classification: Likely pathogenic. Last evaluated: 2023-11-12. Review status: criteria provided, single submitter. Criteria: Invitae Variant Classification Sherloc (09022015). Collection method: clinical testing. Allele origin: germline.
Comment: This sequence change affects an acceptor splice site in intron 87 of the ADGRV1 gene. It is expected to disrupt RNA splicing. Variants that disrupt the donor or acceptor splice site typically lead to a loss of protein function (PMID: 16199547), and loss-of-function variants in ADGRV1 are known to be pathogenic (PMID: 19357117, 22135276, 22147658, 26226137, 30718709, 31047384, 32467589). This variant is not present in population databases (gnomAD no frequency). This variant has not been reported in the literature in individuals affected with ADGRV1-related conditions. Algorithms developed to predict the effect of sequence changes on RNA splicing suggest that this variant may disrupt the consensus splice site. In summary, the currently available evidence indicates that the variant is pathogenic, but additional data are needed to prove that conclusively. Therefore, this variant has been classified as Likely Pathogenic.

Literature cited by the submitters: PubMed 16199547; PubMed 19357117; PubMed 22135276; PubMed 22147658; PubMed 26226137; PubMed 30718709; PubMed 31047384; PubMed 32467589.

NM_032119.4(ADGRV1):c.18433-2A>G

Gene: ADGRV1 (adhesion G protein-coupled receptor V1; plus strand). Cytogenetic location: 5q14.3.
Variant type: single nucleotide variant.
Coding change: c.18433-2A>G on transcript NM_032119.4 (MANE Select); the canonical splice acceptor site of the intron before coding-DNA position 18433, A replaced by G.
Molecular consequence: splice acceptor variant.
Genome position (GRCh38, 1-based): chr5:91,150,028, A>G. VCF-style: chr5-91150028-A-G. GRCh37 (hg19) VCF-style: chr5-90445845-A-G.
Identifiers: ClinVar variation 2695202 (VCV002695202.3), dbSNP rs1482222480, ClinGen allele CA360431982.